The following is an entry in ClinVar:

NM_000341.4(SLC3A1):c.967A>G (p.Lys323Glu)

Gene: SLC3A1 (solute carrier family 3 member 1; plus strand). Cytogenetic location: 2p21.
Variant type: single nucleotide variant.
Coding change: c.967A>G on transcript NM_000341.4 (MANE Select); coding-DNA position 967, A replaced by G.
Protein change: p.Lys323Glu; replaces lysine 323 with glutamic acid.
Molecular consequence: missense variant.
Genome position (GRCh38, 1-based): chr2:44,300,046, A>G. VCF-style: chr2-44300046-A-G. GRCh37 (hg19) VCF-style: chr2-44527185-A-G.
Other names: short protein forms K323E.
Identifiers: ClinVar variation 4701817 (VCV004701817.1).
Genomic context (GRCh38, chr2:44,300,046, plus strand): 5'-TGGCTCACAAAGGGTGTTGATGGTTTTAGTTTGGATGCTGTTAAATTCCTCCTAGAAGCA[A>G]AGCACCTGAGAGATGAGATCCAAGTAAATAAGACCCAAATCCCGGTAAAGTTTTATTTTA-3'
Protein context (NP_000332.2, residues 313-333): LDAVKFLLEA[Lys323Glu]HLRDEIQVNK

ClinVar aggregate classification (germline): Uncertain significance (1 of 4 stars; one submission).

Conditions:
Cystinuria (CSNU). Also called: CYSTINURIA, TYPE I; CYSTINURIA, TYPE II; CYSTINURIA, TYPE III; Cystinuria, non-type I. Identifiers: Orphanet 214, MedGen C0010691, MONDO:0009067, OMIM 220100, HP:0003131.

gnomAD v4.1: 3 of 1,613,910 alleles (0.00019%); highest among the groups gnomAD compares: South Asian, 0.0033%; no homozygotes.

Submission:

Labcorp Genetics (formerly Invitae), Labcorp
Classification: Uncertain significance for Cystinuria. Last evaluated: 2025-11-17. Review status: criteria provided, single submitter. Criteria: Invitae Variant Classification Sherloc (09022015). Collection method: clinical testing. Allele origin: germline.
Comment: This sequence change replaces lysine, which is basic and polar, with glutamic acid, which is acidic and polar, at codon 323 of the SLC3A1 protein (p.Lys323Glu). This variant is present in population databases (rs752811552, gnomAD 0.003%). This variant has not been reported in the literature in individuals affected with SLC3A1-related conditions. An algorithm developed to predict the effect of missense changes on protein structure and function outputs the following: PolyPhen-2: "Benign". The glutamic acid amino acid residue is found in multiple mammalian species, which suggests that this missense change does not adversely affect protein function. In summary, the available evidence is currently insufficient to determine the role of this variant in disease. Therefore, it has been classified as a Variant of Uncertain Significance.